The following is an entry in ClinVar:

ClinVar aggregate classification (germline): Pathogenic (1 of 4 stars; one submission).

Conditions:
Inborn genetic diseases. Identifiers: MedGen C0950123, MeSH D030342.

Submission:

Ambry Genetics
Classification: Pathogenic for Inborn genetic diseases. Last evaluated: 2021-09-09. Review status: criteria provided, single submitter. Criteria: Ambry Variant Classification Scheme 2023. Collection method: clinical testing. Allele origin: germline.
Comment: The c.416delC (p.P139Lfs*168) alteration, located in exon 4 (coding exon 4) of the JARID2 gene, consists of a deletion of one nucleotide at position 416, causing a translational frameshift with a predicted alternate stop codon after 168 amino acids. This alteration is expected to result in loss of function by premature protein truncation or nonsense-mediated mRNA decay. This variant was not reported in population-based cohorts in the Genome Aggregation Database (gnomAD). Based on the available evidence, this alteration is classified as pathogenic.

NM_004973.4(JARID2):c.416del (p.Pro139fs)

Gene: JARID2 (jumonji and AT-rich interaction domain containing 2; plus strand). Cytogenetic location: 6p22.3.
Variant type: Deletion.
Coding change: c.416del on transcript NM_004973.4 (MANE Select); coding-DNA position 416, one base deleted (C; older notation c.416delC).
Protein change: p.Pro139fs; shifts the reading frame from proline 139.
Molecular consequence: frameshift variant. On other transcripts: 5 prime UTR variant (1).
Genome position (GRCh38, 1-based): chr6:15,452,098, C deleted; the last of 5 consecutive C bases (chr6:15,452,094-15,452,098); deleting any one gives the same sequence. VCF-style (leftmost placement, unchanged base first): chr6-15452093-AC-A. GRCh37 (hg19) VCF-style: chr6-15452324-AC-A.
Other names: c.-101del (NM_001267040.1); short protein forms P139fs.
Identifiers: ClinVar variation 2387170 (VCV002387170.2), dbSNP rs2482161504, ClinGen allele CA448828107.